The following is an entry in ClinVar:

ClinVar aggregate classification (germline): Uncertain significance. Review status: criteria provided, multiple submitters, no conflicts (2 of 4 stars). 3 submissions from 3 submitters: Uncertain significance (3). Last evaluated 2019-11-23.

Conditions:
Retinitis pigmentosa (RP). Identifiers: Orphanet 791, MedGen C0035334, MeSH D012174, MONDO:0019200, OMIM 268000. Inheritance: Autosomal dominant, autosomal recessive and X linked inheritance.

Allele frequency attached by ClinVar (database versions not stated): gnomAD 0.00001; ExAC 0.00002; TOPMed 0.00002.
gnomAD v4.1: 4 of 1,613,972 alleles (0.00025%); highest among the groups gnomAD compares: Admixed American, 0.0067%; no homozygotes.

Submissions (3):

Labcorp Genetics (formerly Invitae), Labcorp
Classification: Uncertain significance. Last evaluated: 2019-11-23. Review status: criteria provided, single submitter. Criteria: Invitae Variant Classification Sherloc (09022015). Collection method: clinical testing. Allele origin: germline.
Comment: This sequence change replaces lysine with isoleucine at codon 1581 of the RP1 protein (p.Lys1581Ile). The lysine residue is moderately conserved and there is a moderate physicochemical difference between lysine and isoleucine. This variant is present in population databases (rs766323335, ExAC 0.03%). This variant has not been reported in the literature in individuals with RP1-related conditions. ClinVar contains an entry for this variant (Variation ID: 363302). Algorithms developed to predict the effect of missense changes on protein structure and function are either unavailable or do not agree on the potential impact of this missense change (SIFT: "Deleterious"; PolyPhen-2: "Possibly Damaging"; Align-GVGD: "Class C0"). In summary, the available evidence is currently insufficient to determine the role of this variant in disease. Therefore, it has been classified as a Variant of Uncertain Significance.

Blueprint Genetics
Classification: Uncertain significance. Last evaluated: 2019-08-30. Review status: criteria provided, single submitter. Criteria: ACMG Guidelines, 2015. Collection method: clinical testing. Allele origin: germline.

Illumina Laboratory Services, Illumina
Classification: Uncertain significance for Retinitis pigmentosa. Last evaluated: 2018-01-13. Review status: criteria provided, single submitter. Criteria: ICSL Variant Classification Criteria 13 December 2019. Collection method: clinical testing. Allele origin: germline.

NM_006269.2(RP1):c.4742A>T (p.Lys1581Ile)

Gene: RP1 (RP1 axonemal microtubule associated; plus strand). Cytogenetic location: 8q12.1.
Variant type: single nucleotide variant.
Coding change: c.4742A>T on transcript NM_006269.2 (MANE Select); coding-DNA position 4742, A replaced by T.
Protein change: p.Lys1581Ile; replaces lysine 1581 with isoleucine.
Molecular consequence: missense variant.
Genome position (GRCh38, 1-based): chr8:54,628,624, A>T. VCF-style: chr8-54628624-A-T. GRCh37 (hg19) VCF-style: chr8-55541184-A-T.
Other names: short protein forms K1581I.
Identifiers: ClinVar variation 363302 (VCV000363302.15), dbSNP rs766323335, ClinGen allele CA4751937.